The following is an entry in ClinVar:

NM_144631.6(ZNF513):c.1594G>A (p.Gly532Ser)

Gene: ZNF513 (zinc finger protein 513; minus strand). Cytogenetic location: 2p23.3.
Variant type: single nucleotide variant.
Coding change: c.1594G>A on transcript NM_144631.6 (MANE Select); coding-DNA position 1594, G replaced by A.
Protein change: p.Gly532Ser; replaces glycine 532 with serine.
Molecular consequence: missense variant.
Genome position (GRCh38, 1-based): chr2:27,377,577, C>T on the plus strand (G>A on the coding strand, the complement: ZNF513 is on the minus strand). VCF-style: chr2-27377577-C-T. GRCh37 (hg19) VCF-style: chr2-27600444-C-T.
Other names: c.1408G>A, p.Gly470Ser (NM_001201459.2); short protein forms G532S, G470S.
Identifiers: ClinVar variation 2992987 (VCV002992987.3), dbSNP rs2465618258, ClinGen allele CA346214028.
Genomic context (GRCh38, chr2:27,377,577, plus strand): 5'-TATAAAACATGGGGAAGAAGGACCTAGTTCAGGATGAGTCTGTGTGGACAGCCCGGCTGC[C>T]AGCAGTCCCCAGGGCTGGTGGGCCCCGAGAGCTCAAAACAGAGGGTGGGCTATGAGGTGG-3'
Protein context (NP_653232.3, residues 522-541): SRGPPALGTA[Gly532Ser]SRAVHTDSS

ClinVar aggregate classification (germline): Uncertain significance (1 of 4 stars; one submission).

Allele frequency attached by ClinVar (database versions not stated): gnomAD exomes below 0.00001.

Submission:

Labcorp Genetics (formerly Invitae), Labcorp
Classification: Uncertain significance. Last evaluated: 2022-11-06. Review status: criteria provided, single submitter. Criteria: Invitae Variant Classification Sherloc (09022015). Collection method: clinical testing. Allele origin: germline.
Comment: In summary, the available evidence is currently insufficient to determine the role of this variant in disease. Therefore, it has been classified as a Variant of Uncertain Significance. Algorithms developed to predict the effect of missense changes on protein structure and function output the following: SIFT: "Tolerated"; PolyPhen-2: "Benign"; Align-GVGD: "Class C0". The serine amino acid residue is found in multiple mammalian species, which suggests that this missense change does not adversely affect protein function. This variant has not been reported in the literature in individuals affected with ZNF513-related conditions. This variant is not present in population databases (gnomAD no frequency). This sequence change replaces glycine, which is neutral and non-polar, with serine, which is neutral and polar, at codon 532 of the ZNF513 protein (p.Gly532Ser).